The following is an entry in ClinVar:

NM_001128840.3(CACNA1D):c.4157A>T (p.Asn1386Ile)

Gene: CACNA1D (calcium voltage-gated channel subunit alpha1 D; plus strand). Cytogenetic location: 3p21.1.
Variant type: single nucleotide variant.
Coding change: c.4157A>T on transcript NM_001128840.3 (MANE Select); coding-DNA position 4157, A replaced by T.
Protein change: p.Asn1386Ile; replaces asparagine 1386 with isoleucine.
Molecular consequence: missense variant.
Genome position (GRCh38, 1-based): chr3:53,774,633, A>T. VCF-style: chr3-53774633-A-T. GRCh37 (hg19) VCF-style: chr3-53808660-A-T.
Other names: c.4217A>T, p.Asn1406Ile (NM_000720.4); c.4112A>T, p.Asn1371Ile (NM_001128839.3); short protein forms N1371I, N1386I, N1406I.
Identifiers: ClinVar variation 5018069 (VCV005018069.1).

ClinVar aggregate classification (germline): Uncertain significance (1 of 4 stars; one submission).

Submission:

GeneDx
Classification: Uncertain significance. Last evaluated: 2026-03-31. Review status: criteria provided, single submitter. Criteria: GeneDx Variant Classification Process June 2021. Collection method: clinical testing. Allele origin: germline.
Comment: Not observed at significant frequency in large population cohorts (gnomAD); In silico analysis supports that this missense variant has a deleterious effect on protein structure/function; Has not been previously published as pathogenic or benign to our knowledge